The following is an entry in ClinVar:

NM_006796.3(AFG3L2):c.1770G>T (p.Pro590=)

Gene: AFG3L2 (AFG3 like matrix AAA peptidase subunit 2; minus strand). Cytogenetic location: 18p11.21.
Variant type: single nucleotide variant.
Coding change: c.1770G>T on transcript NM_006796.3 (MANE Select); coding-DNA position 1770, G replaced by T.
Protein change: p.Pro590=; no amino-acid change (proline 590 retained).
Molecular consequence: synonymous variant.
Genome position (GRCh38, 1-based): chr18:12,344,141, C>A on the plus strand (G>T on the coding strand, the complement: AFG3L2 is on the minus strand). VCF-style: chr18-12344141-C-A. GRCh37 (hg19) VCF-style: chr18-12344140-C-A.
Identifiers: ClinVar variation 2416667 (VCV002416667.32), dbSNP rs746302967, ClinGen allele CA8896409.

ClinVar aggregate classification (germline): Likely benign. Review status: criteria provided, multiple submitters, no conflicts (2 of 4 stars). 3 submissions from 3 submitters: Likely benign (3). Last evaluated 2026-09-01.

Submissions (3):

CeGaT Center for Human Genetics Tuebingen
Classification: Likely benign. Last evaluated: 2026-09-01. Review status: criteria provided, single submitter. Criteria: CeGaT Center For Human Genetics Tuebingen Variant Classification Criteria Version 2. Collection method: clinical testing. Allele origin: germline. Affected: yes. Observed: 2 variant alleles.
Comment: AFG3L2: BP4, BP7

Labcorp Genetics (formerly Invitae), Labcorp
Classification: Likely benign. Last evaluated: 2024-10-29. Review status: criteria provided, single submitter. Criteria: Invitae Variant Classification Sherloc (09022015). Collection method: clinical testing. Allele origin: germline.

Blueprint Genetics
Classification: Likely benign. Last evaluated: 2023-12-12. Review status: criteria provided, single submitter. Criteria: ACMG Guidelines, 2015. Collection method: clinical testing. Allele origin: germline.